The following is an entry in ClinVar:

ClinVar aggregate classification (germline): Likely benign (1 of 4 stars; one submission).

gnomAD v4.1: 23 of 1,614,038 alleles (0.0014%); highest among the groups gnomAD compares: South Asian, 0.0033%; no homozygotes.

Submission:

CeGaT Center for Human Genetics Tuebingen
Classification: Likely benign. Last evaluated: 2026-06-01. Review status: criteria provided, single submitter. Criteria: CeGaT Center For Human Genetics Tuebingen Variant Classification Criteria Version 2. Collection method: clinical testing. Allele origin: germline. Affected: yes. Observed: 1 variant allele.
Comment: STIL: BP4, BP7

NM_001048166.1(STIL):c.3570C>T (p.Asn1190=)

Gene: STIL (STIL centriolar assembly protein; minus strand). Cytogenetic location: 1p33.
Variant type: single nucleotide variant.
Coding change: c.3570C>T on transcript NM_001048166.1 (MANE Select); coding-DNA position 3570, C replaced by T.
Protein change: p.Asn1190=; no amino-acid change (asparagine 1190 retained).
Molecular consequence: synonymous variant.
Genome position (GRCh38, 1-based): chr1:47,251,433, G>A on the plus strand (C>T on the coding strand, the complement: STIL is on the minus strand). VCF-style: chr1-47251433-G-A. GRCh37 (hg19) VCF-style: chr1-47717105-G-A.
Other names: c.3567C>T, p.Asn1189= (NM_001282936.1, NM_003035.2); c.3516C>T, p.Asn1172= (NM_001282937.1); c.3429C>T, p.Asn1143= (NM_001282938.1, NM_001377417.1); c.3375C>T, p.Asn1125= (NM_001282939.1).
Identifiers: ClinVar variation 4872206 (VCV004872206.2).